The following is an entry in ClinVar:

NM_000038.6(APC):c.402A>C (p.Leu134Phe)

Gene: APC (APC regulator of Wnt signaling pathway; plus strand). Cytogenetic location: 5q22.2.
Variant type: single nucleotide variant.
Coding change: c.402A>C on transcript NM_000038.6 (MANE Select); coding-DNA position 402, A replaced by C.
Protein change: p.Leu134Phe; replaces leucine 134 with phenylalanine.
Molecular consequence: missense variant. On other transcripts: 5 prime UTR variant (4), non-coding transcript variant (2).
Genome position (GRCh38, 1-based): chr5:112,767,370, A>C. VCF-style: chr5-112767370-A-C. GRCh37 (hg19) VCF-style: chr5-112103067-A-C.
Other names: c.-634A>C (NM_001407470.1, NM_001407471.1, NM_001407472.1 and 1 more transcripts); c.402A>C, p.Leu134Phe (NM_001127510.3, NM_001354895.2, NM_001354896.2 and 16 more transcripts); c.432A>C, p.Leu144Phe (NM_001127511.3, NM_001354897.2, NM_001354902.2 and 1 more transcripts); c.327A>C, p.Leu109Phe (NM_001354898.2, NM_001354904.2, NM_001407451.1); c.225A>C, p.Leu75Phe (NM_001354900.2, NM_001354901.2, NM_001354905.2 and 1 more transcripts); short protein forms L109F, L134F, L144F, L75F.
Identifiers: ClinVar variation 5025051 (VCV005025051.1).

ClinVar aggregate classification (germline): Uncertain significance (1 of 4 stars; one submission).

Conditions:
Hereditary cancer-predisposing syndrome. Also called: Neoplastic Syndromes, Hereditary; Tumor predisposition; Hereditary neoplastic syndrome; Hereditary Cancer Syndrome. Identifiers: Orphanet 140162, MedGen C0027672, MeSH D009386, MONDO:0015356.

Submission:

Ambry Genetics
Classification: Uncertain significance for Hereditary cancer-predisposing syndrome. Last evaluated: 2026-07-06. Review status: criteria provided, single submitter. Criteria: Ambry Variant Classification Scheme 2023. Collection method: clinical testing. Allele origin: germline.
Comment: The p.L134F variant (also known as c.402A>C), located in coding exon 3 of the APC gene, results from an A to C substitution at nucleotide position 402. The leucine at codon 134 is replaced by phenylalanine, an amino acid with highly similar properties. This amino acid position is conserved. In addition, in silico predictors for this gene do not accurately predict pathogenicity. Based on the available evidence, the clinical significance of this variant remains unclear.